The following is an entry in ClinVar:

NM_001122630.2(CDKN1C):c.853C>T (p.Pro285Ser)

Gene: CDKN1C (cyclin dependent kinase inhibitor 1C; minus strand). Cytogenetic location: 11p15.4.
Variant type: single nucleotide variant.
Coding change: c.853C>T on transcript NM_001122630.2 (MANE Select); coding-DNA position 853, C replaced by T.
Protein change: p.Pro285Ser; replaces proline 285 with serine.
Molecular consequence: missense variant. On other transcripts: synonymous variant (1).
Genome position (GRCh38, 1-based): chr11:2,884,069, G>A on the plus strand (C>T on the coding strand, the complement: CDKN1C is on the minus strand). VCF-style: chr11-2884069-G-A. GRCh37 (hg19) VCF-style: chr11-2905299-G-A.
Other names: c.886C>T, p.Pro296Ser (LRG_533t1, NM_000076.2, NM_001362474.2); c.853C>T, p.Pro285Ser (NM_001122631.2); c.321C>T, p.Val107= (NM_001362475.2); short protein forms P296S, P285S.
Identifiers: ClinVar variation 404249 (VCV000404249.15), dbSNP rs531059713, ClinGen allele CA5822145.
Genomic context (GRCh38, chr11:2,884,069, plus strand): 5'-GCAGCCTCTTGCGCGGGGTCTGCTCCACCGAGCCCACGCCAGGGGCGGCGCTTGGAGAGG[G>A]ACACGGCGCGGGGACATCGCCCGACGACTTCTCAGGCGCTGATCTCTTGCGCTTGGCGAA-3'
Protein context (NP_001116102.1, residues 275-295): KSSGDVPAPC[Pro285Ser]SPSAAPGVGS

ClinVar aggregate classification (germline): Conflicting classifications of pathogenicity. Review status: criteria provided, conflicting classifications (1 of 4 stars). 5 submissions from 5 submitters: Uncertain significance (4); Likely benign (1). Last evaluated 2026-01-13.

Conditions:
IMAGe syndrome. Also called: Intrauterine growth retardation, metaphyseal dysplasia, adrenal hypoplasia congenita, and genital anomalies; Intrauterine Growth Restriction, Metaphyseal Dysplasia, Adrenal Hypoplasia Congenita, and Genital Anomalies. Identifiers: Orphanet 85173, MedGen C1846009, MONDO:0013873, OMIM 614732.
Inborn genetic diseases. Identifiers: MedGen C0950123, MeSH D030342.
Beckwith-Wiedemann syndrome (BWS). Also called: Exomphalos macroglossia gigantism syndrome; EMG SYNDROME. Identifiers: Orphanet 116, MedGen C0004903, MONDO:0007534, OMIM 130650.

Allele frequency attached by ClinVar (database versions not stated): gnomAD exomes 0.00007; 1000 Genomes Project 0.00020; gnomAD 0.00007; TOPMed 0.00007; 1000 Genomes Project 30x 0.00031; ExAC 0.00006.

Submissions (5):

Labcorp Genetics (formerly Invitae), Labcorp
Classification: Uncertain significance for Beckwith-Wiedemann syndrome. Last evaluated: 2026-01-13. Review status: criteria provided, single submitter. Criteria: Invitae Variant Classification Sherloc (09022015). Collection method: clinical testing. Allele origin: germline.
Comment: This sequence change replaces proline, which is neutral and non-polar, with serine, which is neutral and polar, at codon 296 of the CDKN1C protein (p.Pro296Ser). The frequency data for this variant in the population databases is considered unreliable, as metrics indicate poor data quality at this position in the gnomAD database. This variant has not been reported in the literature in individuals affected with CDKN1C-related conditions. ClinVar contains an entry for this variant (Variation ID: 404249). Invitae Evidence Modeling of protein sequence and biophysical properties (such as structural, functional, and spatial information, amino acid conservation, physicochemical variation, residue mobility, and thermodynamic stability) indicates that this missense variant is not expected to disrupt CDKN1C protein function with a negative predictive value of 80%. In summary, the available evidence is currently insufficient to determine the role of this variant in disease. Therefore, it has been classified as a Variant of Uncertain Significance.

Ambry Genetics
Classification: Likely benign for Inborn genetic diseases. Last evaluated: 2022-08-02. Review status: criteria provided, single submitter. Criteria: Ambry Variant Classification Scheme 2023. Collection method: clinical testing. Allele origin: germline.

MGZ Medical Genetics Center
Classification: Uncertain significance for IMAGe syndrome. Last evaluated: 2022-04-05. Review status: criteria provided, single submitter. Criteria: ACMG Guidelines, 2015. Collection method: clinical testing. Allele origin: germline. Affected: yes. Observed: 2 variant alleles.
Comment: ACMG criteria applied: PM2_SUP

Fulgent Genetics
Classification: Uncertain significance for Beckwith-Wiedemann syndrome; IMAGe syndrome. Last evaluated: 2022-03-18. Review status: criteria provided, single submitter. Criteria: ACMG Guidelines, 2015. Collection method: clinical testing. Allele origin: unknown.

Sema4
Classification: Uncertain significance for Beckwith-Wiedemann syndrome. Last evaluated: 2022-01-26. Review status: criteria provided, single submitter. Criteria: Sema4 Curation Guidelines. Collection method: curation. Allele origin: germline.
Comment: The CDKN1C c.886C>T (p.P296S) variant has not been reported in the literature to our knowledge. It was observed in 6/26138 chromosomes of the Latino subpopulation in the large and broad cohorts of the Genome Aggregation Database (PMID: 32461654). The variant has been reported in ClinVar (Variation ID 404249). Functional studies have not been performed, and in silico predictions of the variant's effect on protein function are inconclusive. The evidence is insufficient to meet ACMG/AMP criteria for classifying the variant as benign or pathogenic. Thus, the clinical significance of this variant is currently uncertain.